The following is an entry in ClinVar:

NM_004006.3(DMD):c.2301G>T (p.Glu767Asp)

Gene: DMD (dystrophin; minus strand). Cytogenetic location: Xp21.1.
Variant type: single nucleotide variant.
Coding change: c.2301G>T on transcript NM_004006.3 (MANE Select); coding-DNA position 2301, G replaced by T.
Protein change: p.Glu767Asp; replaces glutamic acid 767 with aspartic acid.
Molecular consequence: missense variant.
Genome position (GRCh38, 1-based): chrX:32,501,834, C>A on the plus strand (G>T on the coding strand, the complement: DMD is on the minus strand). VCF-style: chrX-32501834-C-A. GRCh37 (hg19) VCF-style: chrX-32519951-C-A.
Other names: c.2277G>T, p.Glu759Asp (NM_000109.4); c.2289G>T, p.Glu763Asp (NM_004009.3); c.1932G>T, p.Glu644Asp (NM_004010.3); short protein forms E644D, E763D, E759D, E767D.
Identifiers: ClinVar variation 953256 (VCV000953256.13), dbSNP rs2044086255, ClinGen allele CA412673712.
Genomic context (GRCh38, chrX:32,501,834, plus strand): 5'-CAGGGCCTGAGCTGATCTGCTGGCATCTTGCAGTTTTCTGAACTTCTCAGCTTTTTCTCG[C>A]TCTATGGCCTGCAGCATGAGAGCAAAGATGAGTAATTCAATACAAGGACTGTGAATCTAC-3'
Protein context (NP_003997.2, residues 757-777): SDLKEKVNAI[Glu767Asp]REKAEKFRKL

ClinVar aggregate classification (germline): Uncertain significance. Review status: criteria provided, multiple submitters, no conflicts (2 of 4 stars). 3 submissions from 3 submitters: Uncertain significance (2). 1 of the submissions does not count toward it. Last evaluated 2020-01-17.

Conditions:
Cardiovascular phenotype. Identifiers: MedGen CN230736.
Duchenne muscular dystrophy (DMD). Also called: MUSCULAR DYSTROPHY, PSEUDOHYPERTROPHIC PROGRESSIVE, DUCHENNE TYPE; Duchenne Muscular Dystrophy (DMD). Identifiers: Orphanet 98896, MedGen C0013264, MONDO:0010679, OMIM 310200.
Dystrophin deficiency.
Becker muscular dystrophy (BMD). Also called: MUSCULAR DYSTROPHY, PSEUDOHYPERTROPHIC PROGRESSIVE, BECKER TYPE; Becker Muscular Dystrophy (BMD). Identifiers: Orphanet 98895, MedGen C0917713, MONDO:0010311, OMIM 300376.
Cardiomyopathy (CMYO). Also called: Cardiomyopathies. Identifiers: Orphanet 167848, MedGen C0878544, MONDO:0004994, HP:0001638. Inheritance: Various modes of inheritance.

Submissions (3):

Ambry Genetics
Classification: Uncertain significance for Cardiovascular phenotype. Last evaluated: 2020-01-17. Review status: criteria provided, single submitter. Criteria: Ambry Variant Classification Scheme 2023. Collection method: clinical testing. Allele origin: germline.
Comment: The p.E767D variant (also known as c.2301G>T), located in coding exon 19 of the DMD gene, results from a G to T substitution at nucleotide position 2301. The glutamic acid at codon 767 is replaced by aspartic acid, an amino acid with highly similar properties. This amino acid position is not well conserved in available vertebrate species, and aspartic acid is the reference amino acid in other vertebrate species. In addition, this alteration is predicted to be tolerated by in silico analysis. Since supporting evidence is limited at this time, the clinical significance of this alteration remains unclear.

Labcorp Genetics (formerly Invitae), Labcorp
Classification: Uncertain significance for Duchenne muscular dystrophy. Last evaluated: 2019-07-26. Review status: criteria provided, single submitter. Criteria: Invitae Variant Classification Sherloc (09022015). Collection method: clinical testing. Allele origin: germline.
Comment: In summary, the available evidence is currently insufficient to determine the role of this variant in disease. Therefore, it has been classified as a Variant of Uncertain Significance. Algorithms developed to predict the effect of missense changes on protein structure and function are either unavailable or do not agree on the potential impact of this missense change (SIFT: "Tolerated"; PolyPhen-2: "Possibly Damaging"; Align-GVGD: "Class C0"). This variant has not been reported in the literature in individuals with DMD-related conditions. This variant is not present in population databases (ExAC no frequency). This sequence change replaces glutamic acid with aspartic acid at codon 767 of the DMD protein (p.Glu767Asp). The glutamic acid residue is moderately conserved and there is a small physicochemical difference between glutamic acid and aspartic acid.

Natera, Inc.
Classification: Uncertain significance for Becker muscular dystrophy; Cardiomyopathy; Duchenne muscular dystrophy; Dystrophin deficiency. Last evaluated: 2018-05-29. Review status: no assertion criteria provided. Collection method: clinical testing. Allele origin: germline. Not counted in ClinVar's aggregate classification.